The following is an entry in ClinVar:

NM_001080508.3(TBX18):c.572T>G (p.Ile191Ser)

Gene: TBX18 (T-box transcription factor 18; minus strand). Cytogenetic location: 6q14.3.
Variant type: single nucleotide variant.
Coding change: c.572T>G on transcript NM_001080508.3 (MANE Select); coding-DNA position 572, T replaced by G.
Protein change: p.Ile191Ser; replaces isoleucine 191 with serine.
Molecular consequence: missense variant.
Genome position (GRCh38, 1-based): chr6:84,760,282, A>C on the plus strand (T>G on the coding strand, the complement: TBX18 is on the minus strand). VCF-style: chr6-84760282-A-C. GRCh37 (hg19) VCF-style: chr6-85470000-A-C.
Other names: short protein forms I191S.
Identifiers: ClinVar variation 5001423 (VCV005001423.1).

ClinVar aggregate classification (germline): Uncertain significance (1 of 4 stars; one submission).

Conditions:
TBX18-related disorder. Also called: TBX18-related condition.

Submission:

PreventionGenetics, part of Exact Sciences
Classification: Uncertain significance for TBX18-related condition. Last evaluated: 2025-06-07. Review status: criteria provided, single submitter. Criteria: ACMG Guidelines, 2015. Collection method: clinical testing. Allele origin: germline.
Comment: The TBX18 c.572T>G variant is predicted to result in the amino acid substitution p.Ile191Ser. To our knowledge, this variant has not been reported in the literature or in a large population database (gnomAD), indicating this variant is rare. At this time, the clinical significance of this variant is uncertain due to the absence of conclusive functional and genetic evidence.